The following is an entry in ClinVar:

NM_000090.4(COL3A1):c.2115A>T (p.Gly705=)

Gene: COL3A1 (collagen type III alpha 1 chain; plus strand). Cytogenetic location: 2q32.2.
Variant type: single nucleotide variant.
Coding change: c.2115A>T on transcript NM_000090.4 (MANE Select); coding-DNA position 2115, A replaced by T.
Protein change: p.Gly705=; no amino-acid change (glycine 705 retained).
Molecular consequence: synonymous variant.
Genome position (GRCh38, 1-based): chr2:188,999,377, A>T. VCF-style: chr2-188999377-A-T. GRCh37 (hg19) VCF-style: chr2-189864103-A-T.
Identifiers: ClinVar variation 3070979 (VCV003070979.1), dbSNP rs1166127350, ClinGen allele CA430310577.

ClinVar aggregate classification (germline): Uncertain significance (1 of 4 stars; one submission).

Conditions:
Ehlers-Danlos syndrome, type 4 (EDSVASC). Also called: Ehlers-Danlos Syndrome Type IV; Ehlers-Danlos syndrome vascular type; Ehlers Danlos syndrome, ecchymotic type; Ehlers Danlos syndrome, arterial type; Ehlers Danlos syndrome, Sack-Barabas type. Identifiers: Orphanet 286, MedGen C0268338, MONDO:0017314, OMIM 130050.

Allele frequency attached by ClinVar (database versions not stated): gnomAD exomes below 0.00001.

Submission:

All of Us Research Program, National Institutes of Health
Classification: Uncertain significance for Ehlers-Danlos syndrome, type 4. Last evaluated: 2023-05-16. Review status: criteria provided, single submitter. Criteria: ACMG Guidelines, 2015. Collection method: clinical testing. Allele origin: germline. Inheritance: Autosomal dominant inheritance. Observed: 1 variant allele, 1 heterozygote.
Comment: This variant is located in the COL3A1 protein. To our knowledge, functional studies have not been reported for this variant. This variant has not been reported in individuals affected with COL3A1-related disorders in the literature. This variant has not been identified in the general population by the Genome Aggregation Database (gnomAD). The available evidence is insufficient to determine the role of this variant in disease conclusively. Therefore, this variant is classified as a Variant of Uncertain Significance.

This study involves interpretation of variants in research participants for the purpose of population health screening. Participant phenotype was not available at the time of variant classification. Additional details can be found in publication PMID: 35346344, PMCID: PMC8962531